The following is an entry in ClinVar:

ClinVar aggregate classification (germline): Benign (1 of 4 stars; one submission).

Allele frequency attached by ClinVar (database versions not stated): gnomAD 0.44157 and 0.45189; TOPMed 0.45270; 1000 Genomes Project 0.45986; 1000 Genomes Project 30x 0.46690.
gnomAD v4.1: 66,864 of 151,996 alleles (44%); highest among the groups gnomAD compares: African/African-American, 70%; 17,039 homozygotes.

Submission:

GeneDx
Classification: Benign. Last evaluated: 2018-06-14. Review status: criteria provided, single submitter. Criteria: GeneDx Variant Classification (06012015). Collection method: clinical testing. Allele origin: germline. Affected: yes.
Comment: This variant is considered likely benign or benign based on one or more of the following criteria: it is a conservative change, it occurs at a poorly conserved position in the protein, it is predicted to be benign by multiple in silico algorithms, and/or has population frequency not consistent with disease.

NM_001379210.1(SLC25A26):c.190+210A>C

Gene: SLC25A26 (solute carrier family 25 member 26; plus strand). Cytogenetic location: 3p14.1.
Variant type: single nucleotide variant.
Coding change: c.190+210A>C on transcript NM_001379210.1 (MANE Select); 210 bases into the intron after coding-DNA position 190, A replaced by C.
Molecular consequence: intron variant.
Genome position (GRCh38, 1-based): chr3:66,236,910, A>C. VCF-style: chr3-66236910-A-C. GRCh37 (hg19) VCF-style: chr3-66287334-A-C.
Other names: c.190+210A>C (NM_173471.4); c.-75+210A>C (NM_001350993.1); c.-74-6293A>C (NM_001164796.1).
Identifiers: ClinVar variation 683884 (VCV000683884.1), dbSNP rs142408865, ClinGen allele CA11475108.